The following is an entry in ClinVar:

ClinVar aggregate classification (germline): Uncertain significance. Review status: criteria provided, multiple submitters, no conflicts (2 of 4 stars). 2 submissions from 2 submitters: Uncertain significance (2). Last evaluated 2025-01-27.

Allele frequency attached by ClinVar (database versions not stated): gnomAD 0.00001; TOPMed 0.00001.
gnomAD v4.1: 4 of 1,614,056 alleles (0.00025%); highest among the groups gnomAD compares: African/African-American, 0.0053%; no homozygotes.

Submissions (2):

Women's Health and Genetics/Laboratory Corporation of America, LabCorp
Classification: Uncertain significance. Last evaluated: 2025-01-27. Review status: criteria provided, single submitter. Criteria: LabCorp Variant Classification Summary - May 2015. Collection method: clinical testing. Allele origin: germline.

Quest Diagnostics Nichols Institute San Juan Capistrano
Classification: Uncertain significance. Last evaluated: 2023-08-29. Review status: criteria provided, single submitter. Criteria: Quest Diagnostics criteria. Collection method: clinical testing. Allele origin: unknown.
Comment: To the best of our knowledge, this variant has not been reported in the published literature. The frequency of this variant in the general population, 0.000048 (2/41468 chromosomes (Genome Aggregation Database)), is uninformative in the assessment of its pathogenicity. Analysis of this variant using software algorithms for the prediction of the effect of nucleotide changes on splicing yielded predictions that this variant does not affect FANCA mRNA splicing . Based on the available information, we are unable to determine the clinical significance of this variant.

NM_000135.4(FANCA):c.426+6A>G

Gene: FANCA (FA complementation group A; minus strand). Cytogenetic location: 16q24.3.
Variant type: single nucleotide variant.
Coding change: c.426+6A>G on transcript NM_000135.4 (MANE Select); 6 bases into the intron after coding-DNA position 426, A replaced by G.
Molecular consequence: intron variant.
Genome position (GRCh38, 1-based): chr16:89,810,923, T>C on the plus strand (A>G on the coding strand, the complement: FANCA is on the minus strand). VCF-style: chr16-89810923-T-C. GRCh37 (hg19) VCF-style: chr16-89877331-T-C.
Other names: c.426+6A>G (NM_001286167.3, NM_001351830.2, NM_001018112.3).
Identifiers: ClinVar variation 2681907 (VCV002681907.3), dbSNP rs1467837114, ClinGen allele CA624454954.